The following is an entry in ClinVar:

NM_015040.4(PIKFYVE):c.4814T>G (p.Val1605Gly)

Gene: PIKFYVE (phosphoinositide kinase, FYVE-type zinc finger containing; plus strand). Cytogenetic location: 2q34.
Variant type: single nucleotide variant.
Coding change: c.4814T>G on transcript NM_015040.4 (MANE Select); coding-DNA position 4814, T replaced by G.
Protein change: p.Val1605Gly; replaces valine 1605 with glycine.
Molecular consequence: missense variant.
Genome position (GRCh38, 1-based): chr2:208,340,014, T>G. VCF-style: chr2-208340014-T-G. GRCh37 (hg19) VCF-style: chr2-209204738-T-G.
Other names: short protein forms V1605G.
Identifiers: ClinVar variation 333925 (VCV000333925.28), dbSNP rs61752191, ClinGen allele CA2080466.
Genomic context (GRCh38, chr2:208,340,014, plus strand): 5'-TTATACTTCTTATTCTCTGTGAATATTAATATATAAGTAGACTATTTTTCATTTTAGATG[T>G]GTTTGATGGGCATTTGCTGGGATCCACAGACAGCCAAGTGAAGGAAAAGTCAACCATGAA-3'
Protein context (NP_055855.2, residues 1595-1615): ELDTASSSED[Val1605Gly]FDGHLLGSTD

ClinVar aggregate classification (germline): Benign/Likely benign. Review status: criteria provided, multiple submitters, no conflicts (2 of 4 stars). 6 submissions from 6 submitters: Benign (3); Likely benign (2). 1 of the submissions does not count toward it. Last evaluated 2025-10-06.

Conditions:
Fleck corneal dystrophy (CFD). Also called: CORNEAL DYSTROPHY, FRANCOIS-NEETENS SPECKLED OR FLECKED. Identifiers: Orphanet 98970, MedGen C1562113, MONDO:0007376, OMIM 121850.
PIKFYVE-related disorder. Also called: PIKFYVE-related condition.

Allele frequency attached by ClinVar (database versions not stated): 1000 Genomes Project 30x 0.00078; 1000 Genomes Project 0.00100; TOPMed 0.00235; gnomAD 0.00271 and 0.00275; ExAC 0.00283; ESP Exome Variant Server 0.00323.
gnomAD v4.1: 6,410 of 1,613,186 alleles (0.4%); highest among the groups gnomAD compares: South Asian, 0.48%; 25 homozygotes.

Submissions (6):

Labcorp Genetics (formerly Invitae), Labcorp
Classification: Benign. Last evaluated: 2025-10-06. Review status: criteria provided, single submitter. Criteria: Invitae Variant Classification Sherloc (09022015). Collection method: clinical testing. Allele origin: germline.

Blueprint Genetics
Classification: Likely benign. Last evaluated: 2024-11-25. Review status: criteria provided, single submitter. Criteria: ACMG Guidelines, 2015. Collection method: clinical testing. Allele origin: germline.

CeGaT Center for Human Genetics Tuebingen
Classification: Likely benign. Last evaluated: 2024-08-01. Review status: criteria provided, single submitter. Criteria: CeGaT Center For Human Genetics Tuebingen Variant Classification Criteria Version 2. Collection method: clinical testing. Allele origin: germline. Affected: yes. Observed: 1 variant allele.
Comment: PIKFYVE: BS2

Illumina Laboratory Services, Illumina
Classification: Benign for Fleck corneal dystrophy. Last evaluated: 2018-01-13. Review status: criteria provided, single submitter. Criteria: ICSL Variant Classification Criteria 13 December 2019. Collection method: clinical testing. Allele origin: germline.
Comment: This variant was observed in the ICSL laboratory as part of a predisposition screen in an ostensibly healthy population. It had not been previously curated by ICSL or reported in the Human Gene Mutation Database (HGMD: prior to June 1st, 2018), and was therefore a candidate for classification through an automated scoring system. Utilizing variant allele frequency, disease prevalence and penetrance estimates, and inheritance mode, an automated score was calculated to assess if this variant is too frequent to cause the disease. Based on the score and internal cut-off values, a variant classified as benign is not then subjected to further curation. The score for this variant resulted in a classification of benign for this disease.

Breakthrough Genomics
Classification: Benign. Review status: criteria provided, single submitter. Criteria: ACMG Guidelines, 2015. Collection method: not provided. Allele origin: germline. Inheritance: Autosomal dominant inheritance. Affected: yes.

PreventionGenetics, part of Exact Sciences
Classification: Benign for PIKFYVE-related condition. Last evaluated: 2019-06-07. Review status: no assertion criteria provided. Collection method: clinical testing. Allele origin: germline. Not counted in ClinVar's aggregate classification.
Comment: This variant is classified as benign based on ACMG/AMP sequence variant interpretation guidelines (Richards et al. 2015 PMID: 25741868, with internal and published modifications).